The following is an entry in ClinVar:

ClinVar aggregate classification (germline): Pathogenic. Review status: criteria provided, multiple submitters, no conflicts (2 of 4 stars). 5 submissions from 5 submitters: Pathogenic (5). Last evaluated 2026-05-01.

Conditions:
Familial adenomatous polyposis 1 (FAP1). Also called: FAMILIAL ADENOMATOUS POLYPOSIS 1, ATTENUATED; POLYPOSIS, ADENOMATOUS INTESTINAL. Identifiers: MedGen C2713442, MONDO:0021056, OMIM 175100. Disease mechanism: loss of function.
Hereditary cancer-predisposing syndrome. Also called: Tumor predisposition; Neoplastic Syndromes, Hereditary; Hereditary Cancer Syndrome; Hereditary neoplastic syndrome. Identifiers: Orphanet 140162, MedGen C0027672, MeSH D009386, MONDO:0015356.
Familial multiple polyposis syndrome (FAP). Also called: Classic familial adenomatous polyposis; Familial adenomatous polyposis; Familial intestinal polyposis; Familial polyposis; Familial Adenomatous Polyposis (FAP). Identifiers: Orphanet 733, MedGen C0032580, MONDO:0021055. Disease mechanism: loss of function.

Submissions (5):

Ambry Genetics
Classification: Pathogenic for Hereditary cancer-predisposing syndrome. Last evaluated: 2026-05-01. Review status: criteria provided, single submitter. Criteria: Ambry Variant Classification Scheme 2023. Collection method: clinical testing. Allele origin: germline.
Comment: The p.Q793* pathogenic mutation (also known as c.2377C>T), located in coding exon 15 of the APC gene, results from a C to T substitution at nucleotide position 2377. This changes the amino acid from a glutamine to a stop codon within coding exon 15. This variant occurs at the 3' terminus of the gene, is not expected to trigger nonsense-mediated mRNA decay, and impacts the last 72% of the protein. However, premature stop codons are typically deleterious in nature, the impacted region is critical for protein function and a significant portion of the protein is affected (Ambry internal data). This variant was reported in individual(s) with features consistent with APC-related familial adenomatous polyposis (Ambry internal data). This variant is considered to be rare based on population cohorts in the Genome Aggregation Database (gnomAD). Based on the supporting evidence, this variant is interpreted as a disease-causing mutation.

Labcorp Genetics (formerly Invitae), Labcorp
Classification: Pathogenic for Familial adenomatous polyposis 1. Last evaluated: 2025-07-30. Review status: criteria provided, single submitter. Criteria: Invitae Variant Classification Sherloc (09022015). Collection method: clinical testing. Allele origin: germline.
Comment: This sequence change creates a premature translational stop signal (p.Gln793*) in the APC gene. While this is not anticipated to result in nonsense mediated decay, it is expected to disrupt the last 2051 amino acid(s) of the APC protein. This variant is not present in population databases (gnomAD no frequency). This premature translational stop signal has been observed in individual(s) with colorectal cancer (PMID: 27978560). ClinVar contains an entry for this variant (Variation ID: 1451499). This variant is expected to disrupt the EB1 and HDLG binding sites, which mediate interactions with the cytoskeleton (PMID: 15311282, 17293347). While functional studies have not been performed to directly test the effect on APC protein function, this suggests that disruption of the C-terminal portion of the protein is functionally important. A different truncation (p.Tyr2645Lysfs*14) that lies downstream of this variant has been determined to be pathogenic (PMID: 9824584, 1316610, 27081525, 8381579, 22135120, internal data). This suggests that deletion of this region of the APC protein is causative of disease. For these reasons, this variant has been classified as Pathogenic.

Myriad Genetics, Inc.
Classification: Pathogenic for Familial adenomatous polyposis 1. Last evaluated: 2023-05-04. Review status: criteria provided, single submitter. Criteria: Myriad Autosomal Dominant, Autosomal Recessive and X-Linked Classification Criteria (2023). Collection method: clinical testing. Allele origin: unknown.
Comment: This variant is considered pathogenic. This variant creates a termination codon and is predicted to result in premature protein truncation.

Quest Diagnostics Nichols Institute San Juan Capistrano
Classification: Pathogenic. Last evaluated: 2023-01-10. Review status: criteria provided, single submitter. Criteria: Quest Diagnostics criteria. Collection method: clinical testing. Allele origin: unknown.
Comment: This nonsense variant causes the premature termination of APC protein synthesis. This variant has not been reported in large, multi-ethnic general populations. In the published literature, the variant has been reported in several individuals with familial adenomatous polyposis (PMID: 27978560 (2016), 23116752 (2012)). Based on the available information, this variant is classified as pathogenic.

Women's Health and Genetics/Laboratory Corporation of America, LabCorp
Classification: Pathogenic for Familial multiple polyposis syndrome. Last evaluated: 2022-09-16. Review status: criteria provided, single submitter. Criteria: LabCorp Variant Classification Summary - May 2015. Collection method: clinical testing. Allele origin: germline.
Comment: Variant summary: APC c.2377C>T (p.Gln793X) results in a premature termination codon, predicted to cause a truncation of the encoded protein or absence of the protein due to nonsense mediated decay, which are commonly known mechanisms for disease. Truncations downstream of this position have been classified as pathogenic by our laboratory. The variant was absent in 250798 control chromosomes. c.2377C>T has been reported in the literature in individuals affected with Familial Adenomatous Polyposis and was found in an affected mother and child (example, Moore_2012 and Pearlman_2017 etc.). These data indicate that the variant is likely to be associated with disease. To our knowledge, no experimental evidence demonstrating an impact on protein function has been reported. One clinical diagnostic laboratory has submitted clinical-significance assessments for this variant to ClinVar after 2014 and classified the variant as pathogenic. Based on the evidence outlined above, the variant was classified as pathogenic.

Literature cited by the submitters: PubMed 27978560 (cited by 3 submitters); PubMed 15311282 (cited by Labcorp Genetics (formerly Invitae), Labcorp); PubMed 17293347 (cited by Labcorp Genetics (formerly Invitae), Labcorp); PubMed 9824584 (cited by Labcorp Genetics (formerly Invitae), Labcorp); PubMed 1316610 (cited by Labcorp Genetics (formerly Invitae), Labcorp); PubMed 27081525 (cited by Labcorp Genetics (formerly Invitae), Labcorp); PubMed 8381579 (cited by Labcorp Genetics (formerly Invitae), Labcorp); PubMed 22135120 (cited by Labcorp Genetics (formerly Invitae), Labcorp); PubMed 23116752 (cited by Quest Diagnostics Nichols Institute San Juan Capistrano and Women's Health and Genetics/Laboratory Corporation of America, LabCorp); PubMed 33753878 (cited by Quest Diagnostics Nichols Institute San Juan Capistrano and Women's Health and Genetics/Laboratory Corporation of America, LabCorp).

NM_000038.6(APC):c.2377C>T (p.Gln793Ter)

Gene: APC (APC regulator of Wnt signaling pathway; plus strand). Cytogenetic location: 5q22.2.
Variant type: single nucleotide variant.
Coding change: c.2377C>T on transcript NM_000038.6 (MANE Select); coding-DNA position 2377, C replaced by T.
Protein change: p.Gln793Ter; replaces glutamine 793 with a stop codon.
Molecular consequence: nonsense.
Genome position (GRCh38, 1-based): chr5:112,837,971, C>T. VCF-style: chr5-112837971-C-T. GRCh37 (hg19) VCF-style: chr5-112173668-C-T.
Other names: c.2377C>T, p.Gln793Ter (NM_001127510.3, NM_001354895.2); c.2323C>T, p.Gln775Ter (NM_001127511.3); c.2431C>T, p.Gln811Ter (NM_001354896.2); c.2407C>T, p.Gln803Ter (NM_001354897.2); c.2302C>T, p.Gln768Ter (NM_001354898.2); c.2293C>T, p.Gln765Ter (NM_001354899.2); c.2254C>T, p.Gln752Ter (NM_001354900.2); c.2200C>T, p.Gln734Ter (NM_001354901.2); and 5 more; short protein forms Q633*, Q692*, Q765*, Q793*, Q667*, Q768*, Q510*, Q702*.
Identifiers: ClinVar variation 1451499 (VCV001451499.11), dbSNP rs2149867683, ClinGen allele CA16026555.